The following is an entry in ClinVar:

NM_000540.3(RYR1):c.2948T>G (p.Leu983Arg)

Gene: RYR1 (ryanodine receptor 1; plus strand). Cytogenetic location: 19q13.2.
Variant type: single nucleotide variant.
Coding change: c.2948T>G on transcript NM_000540.3 (MANE Select); coding-DNA position 2948, T replaced by G.
Protein change: p.Leu983Arg; replaces leucine 983 with arginine.
Molecular consequence: missense variant.
Genome position (GRCh38, 1-based): chr19:38,466,168, T>G. VCF-style: chr19-38466168-T-G. GRCh37 (hg19) VCF-style: chr19-38956808-T-G.
Other names: c.2948T>G, p.Leu983Arg (NM_001042723.2); short protein forms L983R.
Identifiers: ClinVar variation 3600778 (VCV003600778.2).

ClinVar aggregate classification (germline): Uncertain significance. Review status: criteria provided, multiple submitters, no conflicts (2 of 4 stars). 2 submissions from 2 submitters: Uncertain significance (2). Last evaluated 2025-06-09.

Conditions:
Malignant hyperthermia, susceptibility to, 1 (MHS1). Also called: RYR1-Related Malignant Hyperthermia Susceptibility; Anesthesia related hyperthermia; Malignant hyperpyrexia; Fulminating hyperpyrexia; Pharmacogenic myopathy; Malignant hyperthermia suceptibility 1. Identifiers: Orphanet 423, MedGen C2930980, MONDO:0007783, OMIM 145600.

Submissions (2):

Color Diagnostics, LLC DBA Color Health
Classification: Uncertain significance for Malignant hyperthermia, susceptibility to, 1. Last evaluated: 2025-06-09. Review status: criteria provided, single submitter. Criteria: ACMG Guidelines, 2015. Collection method: clinical testing. Allele origin: germline.
Comment: This missense variant replaces leucine with arginine at codon 983 of the RYR1 protein. Computational prediction suggests that this variant may have deleterious impact on protein structure and function. To our knowledge, functional studies have not been reported for this variant. This variant has not been reported in individuals affected with RYR1-related disorders in the literature. This variant has not been identified in the general population by the Genome Aggregation Database (gnomAD). The available evidence is insufficient to determine the role of this variant in disease conclusively. Therefore, this variant is classified as a Variant of Uncertain Significance.

GeneDx
Classification: Uncertain significance. Last evaluated: 2024-07-22. Review status: criteria provided, single submitter. Criteria: GeneDx Variant Classification Process June 2021. Collection method: clinical testing. Allele origin: germline. Affected: yes.
Comment: Not observed at significant frequency in large population cohorts (gnomAD); In silico analysis supports that this missense variant has a deleterious effect on protein structure/function; Has not been previously published as pathogenic or benign to our knowledge